The following is an entry in ClinVar:

ClinVar aggregate classification (germline): Pathogenic (1 of 4 stars; one submission).

Conditions:
Familial hemiplegic migraine. Identifiers: MedGen C0338484, MONDO:0000700.

Submission:

Labcorp Genetics (formerly Invitae), Labcorp
Classification: Pathogenic for Familial hemiplegic migraine. Last evaluated: 2022-09-23. Review status: criteria provided, single submitter. Criteria: Invitae Variant Classification Sherloc (09022015). Collection method: clinical testing. Allele origin: germline.
Comment: This sequence change replaces glycine, which is neutral and non-polar, with valine, which is neutral and non-polar, at codon 366 of the ATP1A2 protein (p.Gly366Val). This variant is not present in population databases (gnomAD no frequency). For these reasons, this variant has been classified as Pathogenic. This variant disrupts the p.Gly366 amino acid residue in ATP1A2. Other variant(s) that disrupt this residue have been determined to be pathogenic (PMID: 27864847). This suggests that this residue is clinically significant, and that variants that disrupt this residue are likely to be disease-causing. Advanced modeling of protein sequence and biophysical properties (such as structural, functional, and spatial information, amino acid conservation, physicochemical variation, residue mobility, and thermodynamic stability) performed at Invitae indicates that this missense variant is expected to disrupt ATP1A2 protein function. ClinVar contains an entry for this variant (Variation ID: 1071760). This missense change has been observed in individual(s) with refractory epilepsy (PMID: 30185235). In at least one individual the variant was observed to be de novo.

Literature cited by the submitters: PubMed 27864847; PubMed 30185235.

NM_000702.4(ATP1A2):c.1097G>T (p.Gly366Val)

Gene: ATP1A2 (ATPase Na+/K+ transporting subunit alpha 2; plus strand). Cytogenetic location: 1q23.2.
Variant type: single nucleotide variant.
Coding change: c.1097G>T on transcript NM_000702.4 (MANE Select); coding-DNA position 1097, G replaced by T.
Protein change: p.Gly366Val; replaces glycine 366 with valine.
Molecular consequence: missense variant.
Genome position (GRCh38, 1-based): chr1:160,128,731, G>T. VCF-style: chr1-160128731-G-T. GRCh37 (hg19) VCF-style: chr1-160098521-G-T.
Other names: short protein forms G366V.
Identifiers: ClinVar variation 1071760 (VCV001071760.9), dbSNP rs1057518514, ClinGen allele CA343239374.
Genomic context (GRCh38, chr1:160,128,731, plus strand): 5'-CCAAGCGCATGGCACGGAAGAACTGCCTGGTGAAGAACCTGGAGGCGGTGGAGACGCTGG[G>T]CTCCACGTCCACCATCTGCTCGGACAAGACGGGCACCCTCACCCAGAACCGCATGACCGT-3'
Protein context (NP_000693.1, residues 356-376): VKNLEAVETL[Gly366Val]STSTICSDKT